The following is an entry in ClinVar:

NM_001042646.3(TRAK1):c.1744+125G>A

Gene: TRAK1 (trafficking kinesin protein 1; plus strand). Cytogenetic location: 3p22.1.
Variant type: single nucleotide variant.
Coding change: c.1744+125G>A on transcript NM_001042646.3 (MANE Select); 125 bases into the intron after coding-DNA position 1744, G replaced by A.
Molecular consequence: intron variant. On other transcripts: synonymous variant (1).
Genome position (GRCh38, 1-based): chr3:42,202,877, G>A. VCF-style: chr3-42202877-G-A. GRCh37 (hg19) VCF-style: chr3-42244369-G-A.
Other names: c.1647G>A, p.Pro549= (NM_001265610.1); c.1432+125G>A (NM_001349245.1); c.1744+125G>A (NM_001349247.2, NM_001349246.2, NM_001265608.2); c.1522+125G>A (NM_001349249.1, NM_001349248.1, NM_001265609.2); c.1570+125G>A (NM_001410741.1, NM_014965.5).
Identifiers: ClinVar variation 5039382 (VCV005039382.1).

ClinVar aggregate classification (germline): Likely benign (1 of 4 stars; one submission).

gnomAD v4.1: 48 of 1,467,986 alleles (0.0033%); highest among the groups gnomAD compares: Non-Finnish European, 0.0039%; no homozygotes.

Submission:

CeGaT Center for Human Genetics Tuebingen
Classification: Likely benign. Last evaluated: 2026-07-01. Review status: criteria provided, single submitter. Criteria: CeGaT Center For Human Genetics Tuebingen Variant Classification Criteria Version 2. Collection method: clinical testing. Allele origin: germline. Affected: yes. Observed: 1 variant allele.
Comment: TRAK1: BP4, BP7